The following is an entry in ClinVar:

ClinVar aggregate classification (germline): Pathogenic/Likely pathogenic. Review status: criteria provided, multiple submitters, no conflicts (2 of 4 stars). 4 submissions from 4 submitters: Pathogenic (2); Likely pathogenic (2). Last evaluated 2026-04-14.

Conditions:
Cholestasis, intrahepatic, of pregnancy, 1 (ICP1). Also called: CHOLESTASIS, PREGNANCY-RELATED, 1. Identifiers: Orphanet 69665, MedGen C3549845, MONDO:0007829, OMIM 147480.
Familial intrahepatic cholestasis. Identifiers: Orphanet 284385, MedGen CN296401, MONDO:0017290.

Allele frequency attached by ClinVar (database versions not stated): gnomAD exomes below 0.00001; ExAC 0.00001; TOPMed 0.00001.
gnomAD v4.1: 7 of 1,613,904 alleles (0.00043%); highest among the groups gnomAD compares: East Asian, 0.0022%; no homozygotes.

Submissions (4):

Genomenon, Inc
Classification: Pathogenic for Familial intrahepatic cholestasis. Last evaluated: 2026-04-14. Review status: criteria provided, single submitter. Criteria: Genomenon Sequence Variant Interpretation Standards - Updated. Collection method: curation. Allele origin: germline. Affected: yes.
Comment: ATP8B1 p.Arg46Ter (c.136C>T) is a nonsense variant that introduces a premature stop codon at amino acid position 46, creating a truncated protein that is predicted to undergo nonsense-mediated mRNA decay. This variant has been observed in at least one proband with features of ATP8B1-deficiency (PMID:20038848). It is absent or not present at a significant frequency in gnomAD. In conclusion, we classify ATP8B1 p.Arg46Ter (c.136C>T) as a pathogenic variant.

Genomic Medicine Center of Excellence, King Faisal Specialist Hospital and Research Centre
Classification: Likely pathogenic for Cholestasis, intrahepatic, of pregnancy, 1. Last evaluated: 2024-03-25. Review status: criteria provided, single submitter. Criteria: ACMG Guidelines, 2015. Collection method: clinical testing. Allele origin: germline.

Revvity Omics, Revvity
Classification: Likely pathogenic. Last evaluated: 2023-07-20. Review status: criteria provided, single submitter. Criteria: ACMG Guidelines, 2015. Collection method: clinical testing. Allele origin: germline.

Labcorp Genetics (formerly Invitae), Labcorp
Classification: Pathogenic. Last evaluated: 2023-04-28. Review status: criteria provided, single submitter. Criteria: Invitae Variant Classification Sherloc (09022015). Collection method: clinical testing. Allele origin: germline.
Comment: For these reasons, this variant has been classified as Pathogenic. This sequence change creates a premature translational stop signal (p.Arg46*) in the ATP8B1 gene. It is expected to result in an absent or disrupted protein product. Loss-of-function variants in ATP8B1 are known to be pathogenic (PMID: 15239083, 22525741). This variant is present in population databases (rs775827012, gnomAD 0.003%). This premature translational stop signal has been observed in individual(s) with clinical features of ATP8B1-related condition (PMID: 20038848).

Literature cited by the submitters: PubMed 20038848 (cited by Genomenon, Inc and Labcorp Genetics (formerly Invitae), Labcorp); PubMed 15239083 (cited by Labcorp Genetics (formerly Invitae), Labcorp); PubMed 22525741 (cited by Labcorp Genetics (formerly Invitae), Labcorp).

NM_001374385.1(ATP8B1):c.136C>T (p.Arg46Ter)

Gene: ATP8B1 (ATPase phospholipid transporting 8B1; minus strand). Cytogenetic location: 18q21.31.
Variant type: single nucleotide variant.
Coding change: c.136C>T on transcript NM_001374385.1 (MANE Select); coding-DNA position 136, C replaced by T.
Protein change: p.Arg46Ter; replaces arginine 46 with a stop codon.
Molecular consequence: nonsense. On other transcripts: synonymous variant (1).
Genome position (GRCh38, 1-based): chr18:57,731,672, G>A on the plus strand (C>T on the coding strand, the complement: ATP8B1 is on the minus strand). VCF-style: chr18-57731672-G-A. GRCh37 (hg19) VCF-style: chr18-55398904-G-A.
Other names: c.84C>T, p.Thr28= (NM_001374386.1); c.136C>T, p.Arg46Ter (NM_005603.6); short protein forms R46*.
Identifiers: ClinVar variation 2690550 (VCV002690550.7), dbSNP rs775827012, ClinGen allele CA8974946.